The following is an entry in ClinVar:

ClinVar aggregate classification (germline): Likely benign (1 of 4 stars; one submission).

Allele frequency attached by ClinVar (database versions not stated): ExAC 0.00001; TOPMed 0.00003; gnomAD 0.00005; ESP Exome Variant Server 0.00009.
gnomAD v4.1: 18 of 1,199,859 alleles (0.0015%); highest among the groups gnomAD compares: African/African-American, 0.007%; no homozygotes.

Submission:

CeGaT Center for Human Genetics Tuebingen
Classification: Likely benign. Last evaluated: 2023-01-01. Review status: criteria provided, single submitter. Criteria: CeGaT Center For Human Genetics Tuebingen Variant Classification Criteria Version 2. Collection method: clinical testing. Allele origin: germline. Affected: yes. Observed: 1 variant allele.
Comment: FRMPD4: BP4, BP7, BS2

NM_001368397.1(FRMPD4):c.2712G>A (p.Ser904=)

Gene: FRMPD4 (FERM and PDZ domain containing 4; plus strand). Cytogenetic location: Xp22.2.
Variant type: single nucleotide variant.
Coding change: c.2712G>A on transcript NM_001368397.1 (MANE Select); coding-DNA position 2712, G replaced by A.
Protein change: p.Ser904=; no amino-acid change (serine 904 retained).
Molecular consequence: synonymous variant.
Genome position (GRCh38, 1-based): chrX:12,717,538, G>A. VCF-style: chrX-12717538-G-A. GRCh37 (hg19) VCF-style: chrX-12735657-G-A.
Other names: c.2703G>A, p.Ser901= (NM_001368399.3); c.2592G>A, p.Ser864= (NM_001368400.3); c.2688G>A, p.Ser896= (NM_001368401.1, NM_001368402.3); c.2712G>A, p.Ser904= (NM_014728.3); c.2823G>A, p.Ser941= (NM_001368395.3, NM_001368398.3); c.2718G>A, p.Ser906= (NM_001368396.3).
Identifiers: ClinVar variation 2660008 (VCV002660008.24), dbSNP rs145038513, ClinGen allele CA10349507.
Genomic context (GRCh38, chrX:12,717,538, plus strand): 5'-TTCTTGTTTTTTACGGCATGCAGGTGTAGCCATCTTGCGGGCTTATAGTCCTGAGTCTTC[G>A]TCAGACTCGGGCAATGAAACTAACTCTTCTGAAATGACTGAGAGTTCTGAACTGGCCACA-3'
Protein context (NP_001355326.1, residues 894-914): AILRAYSPES[Ser904=]SDSGNETNSS